The following is an entry in ClinVar:

ClinVar aggregate classification (germline): Conflicting classifications of pathogenicity. Review status: criteria provided, conflicting classifications (1 of 4 stars). 2 submissions from 2 submitters: Pathogenic (1); Uncertain significance (1). Last evaluated 2023-05-23.

Conditions:
Early-infantile DEE. Also called: Early infantile epileptic encephalopathy; Early infantile epileptic encephalopathy with suppression bursts; Ohtahara syndrome. Identifiers: Orphanet 1934, MedGen C0393706, MONDO:0800491.

Submissions (2):

Labcorp Genetics (formerly Invitae), Labcorp
Classification: Uncertain significance for Early-infantile DEE. Last evaluated: 2023-05-23. Review status: criteria provided, single submitter. Criteria: Invitae Variant Classification Sherloc (09022015). Collection method: clinical testing. Allele origin: germline.
Comment: The SCN8A gene has multiple clinically relevant transcripts. This variant occurs in alternate transcript NM_001330260.1, and corresponds to NM_014191.3:c.706+209G>C in the primary transcript. This sequence change replaces arginine, which is basic and polar, with threonine, which is neutral and polar, at codon 223 of the SCN8A protein (p.Arg223thr). In summary, the available evidence is currently insufficient to determine the role of this variant in disease. Therefore, it has been classified as a Variant of Uncertain Significance. Algorithms developed to predict the effect of sequence changes on RNA splicing suggest that this variant is not likely to affect RNA splicing. Experimental studies and prediction algorithms are not available or were not evaluated, and the functional significance of this variant is currently unknown. ClinVar contains an entry for this variant (Variation ID: 748133). This missense change has been observed in individuals with clinical features of epileptic encephalopathy (Invitae). This variant is not present in population databases (gnomAD no frequency).

GeneDx
Classification: Pathogenic. Last evaluated: 2022-08-15. Review status: criteria provided, single submitter. Criteria: GeneDx Variant Classification Process June 2021. Collection method: clinical testing. Allele origin: germline. Affected: yes.
Comment: This substitution is predicted to be within the Intracellular loop between the S4 and S5 transmembrane segments of the first homologous domain; Missense variants in this gene are often considered pathogenic (HGMD); Not observed at significant frequency in large population cohorts (gnomAD); In silico analysis supports that this missense variant has a deleterious effect on protein structure/function; Has not been previously published as pathogenic or benign to our knowledge

NM_001330260.2(SCN8A):c.668G>C (p.Arg223Thr)

Gene: SCN8A (sodium voltage-gated channel alpha subunit 8; plus strand). Cytogenetic location: 12q13.13.
Variant type: single nucleotide variant.
Coding change: c.668G>C on transcript NM_001330260.2 (MANE Select); coding-DNA position 668, G replaced by C.
Protein change: p.Arg223Thr; replaces arginine 223 with threonine.
Molecular consequence: missense variant. On other transcripts: intron variant (2).
Genome position (GRCh38, 1-based): chr12:51,689,058, G>C. VCF-style: chr12-51689058-G-C. GRCh37 (hg19) VCF-style: chr12-52082842-G-C.
Other names: c.668G>C, p.Arg223Thr (NM_001369788.1); c.706+209G>C (NM_014191.4, NM_001177984.3); short protein forms R223T.
Identifiers: ClinVar variation 748133 (VCV000748133.13), dbSNP rs1592380859, ClinGen allele CA385224699.
Genomic context (GRCh38, chr12:51,689,058, plus strand): 5'-ACTACAGATATGTGACAGAGTTTGTGGACCTGGGCAATGTCTCAGCGCTGAGAACATTCA[G>C]GGTTCTCCGAGCTTTGAAAACTATCTCTGTAATTCCAGGTGAGAAAATTTGTACATAAGA-3'
Protein context (NP_001317189.1, residues 213-233): LGNVSALRTF[Arg223Thr]VLRALKTISV